The following is an entry in ClinVar:

ClinVar aggregate classification (germline): Uncertain significance. Review status: criteria provided, multiple submitters, no conflicts (2 of 4 stars). 3 submissions from 3 submitters: Uncertain significance (3). Last evaluated 2026-04-14.

Conditions:
Action myoclonus-renal failure syndrome. Also called: MYOCLONUS-NEPHROPATHY SYNDROME; SCARB2-Related Action Myoclonus-Renal Failure Syndrome; EPILEPSY, PROGRESSIVE MYOCLONIC, 4, WITH RENAL FAILURE; EPILEPSY, PROGRESSIVE MYOCLONIC, 4, WITHOUT RENAL FAILURE. Identifiers: Orphanet 163696, MedGen C0751779, MeSH D020191, MONDO:0009699, OMIM 254900.
Progressive myoclonic epilepsy. Also called: Familial progressive myoclonic epilepsy; Myoclonic Epilepsies, Progressive; Myoclonus epilepsy; Progressive myoclonus epilepsy. Identifiers: Orphanet 308, Orphanet 98261, MedGen C0751778, MONDO:0020074.

Allele frequency attached by ClinVar (database versions not stated): ExAC 0.00009; gnomAD 0.00007; ESP Exome Variant Server 0.00015; TOPMed 0.00005.
gnomAD v4.1: 102 of 1,613,936 alleles (0.0063%); highest among the groups gnomAD compares: Non-Finnish European, 0.0077%; no homozygotes.

Submissions (3):

GeneDx
Classification: Uncertain significance. Last evaluated: 2026-04-14. Review status: criteria provided, single submitter. Criteria: GeneDx Variant Classification Process June 2021. Collection method: clinical testing. Allele origin: germline.
Comment: Reported in individuals with autism or schizophrenia in large cohorts where further clinical information was not provided (PMID: 26740555, 26934580); In silico analysis suggests that this missense variant does not alter protein structure/function; This variant is associated with the following publications: (PMID: 26740555, 26934580, 28719003)

Labcorp Genetics (formerly Invitae), Labcorp
Classification: Uncertain significance for Progressive myoclonic epilepsy. Last evaluated: 2022-10-17. Review status: criteria provided, single submitter. Criteria: Invitae Variant Classification Sherloc (09022015). Collection method: clinical testing. Allele origin: germline.
Comment: This sequence change replaces arginine, which is basic and polar, with tryptophan, which is neutral and slightly polar, at codon 82 of the SCARB2 protein (p.Arg82Trp). This variant is present in population databases (rs142690468, gnomAD 0.02%). This variant has not been reported in the literature in individuals affected with SCARB2-related conditions. ClinVar contains an entry for this variant (Variation ID: 462923). Advanced modeling of protein sequence and biophysical properties (such as structural, functional, and spatial information, amino acid conservation, physicochemical variation, residue mobility, and thermodynamic stability) performed at Invitae indicates that this missense variant is not expected to disrupt SCARB2 protein function. In summary, the available evidence is currently insufficient to determine the role of this variant in disease. Therefore, it has been classified as a Variant of Uncertain Significance.

Fulgent Genetics
Classification: Uncertain significance for Action myoclonus-renal failure syndrome. Last evaluated: 2022-03-21. Review status: criteria provided, single submitter. Criteria: ACMG Guidelines, 2015. Collection method: clinical testing. Allele origin: unknown.

NM_005506.4(SCARB2):c.244C>T (p.Arg82Trp)

Gene: SCARB2 (scavenger receptor class B member 2; minus strand). Cytogenetic location: 4q21.1.
Variant type: single nucleotide variant.
Coding change: c.244C>T on transcript NM_005506.4 (MANE Select); coding-DNA position 244, C replaced by T.
Protein change: p.Arg82Trp; replaces arginine 82 with tryptophan.
Molecular consequence: missense variant.
Genome position (GRCh38, 1-based): chr4:76,195,738, G>A on the plus strand (C>T on the coding strand, the complement: SCARB2 is on the minus strand). VCF-style: chr4-76195738-G-A. GRCh37 (hg19) VCF-style: chr4-77116891-G-A.
Other names: c.244C>T, p.Arg82Trp (NM_001204255.2); short protein forms R82W.
Identifiers: ClinVar variation 462923 (VCV000462923.12), dbSNP rs142690468, ClinGen allele CA2970386.